The following is an entry in ClinVar:

ClinVar aggregate classification (germline): Likely benign. Review status: criteria provided, multiple submitters, no conflicts (2 of 4 stars). 4 submissions from 4 submitters: Likely benign (4). Last evaluated 2026-06-07.

Conditions:
ZNF469-related disorder. Also called: ZNF469-related condition.
Cardiovascular phenotype. Identifiers: MedGen CN230736.

Allele frequency attached by ClinVar (database versions not stated): gnomAD 0.00001; TOPMed 0.00002.
gnomAD v4.1: 23 of 1,549,076 alleles (0.0015%); highest among the groups gnomAD compares: East Asian, 0.0024%; 1 homozygote.

Submissions (4):

PreventionGenetics, part of Exact Sciences
Classification: Likely benign for ZNF469-related condition. Last evaluated: 2026-06-07. Review status: criteria provided, single submitter. Criteria: ACMG Guidelines, 2015. Collection method: clinical testing. Allele origin: germline.
Comment: This variant is classified as likely benign based on ACMG/AMP sequence variant interpretation guidelines (Richards et al. 2015 PMID: 25741868, with internal and published modifications).

Labcorp Genetics (formerly Invitae), Labcorp
Classification: Likely benign. Last evaluated: 2025-10-25. Review status: criteria provided, single submitter. Criteria: Invitae Variant Classification Sherloc (09022015). Collection method: clinical testing. Allele origin: germline.

Blueprint Genetics
Classification: Likely benign. Last evaluated: 2023-05-25. Review status: criteria provided, single submitter. Criteria: ACMG Guidelines, 2015. Collection method: clinical testing. Allele origin: germline.

Ambry Genetics
Classification: Likely benign for Cardiovascular phenotype. Last evaluated: 2019-06-06. Review status: criteria provided, single submitter. Criteria: Ambry Variant Classification Scheme 2023. Collection method: clinical testing. Allele origin: germline.

NM_001367624.2(ZNF469):c.8025G>A (p.Pro2675=)

Gene: ZNF469 (zinc finger protein 469; plus strand). Cytogenetic location: 16q24.2.
Variant type: single nucleotide variant.
Coding change: c.8025G>A on transcript NM_001367624.2 (MANE Select); coding-DNA position 8025, G replaced by A.
Protein change: p.Pro2675=; no amino-acid change (proline 2675 retained).
Molecular consequence: synonymous variant.
Genome position (GRCh38, 1-based): chr16:88,435,495, G>A. VCF-style: chr16-88435495-G-A. GRCh37 (hg19) VCF-style: chr16-88501903-G-A.
Other names: NM_001127464.1:c.7941G>A; NM_001127464.2:c.7941G>A.
Identifiers: ClinVar variation 1761329 (VCV001761329.7), dbSNP rs1245123145, ClinGen allele CA497357468.
Genomic context (GRCh38, chr16:88,435,495, plus strand): 5'-GATTTCAGATGGGCGCGGCTCCAGACCATCCCCTGCAATGGCCAGTTACGCAGCCTCTCC[G>A]AGCCACTGCCTCTCTGTGGAAGGAGGGCCTGAGGCTGACGGGGAGCAGCCGCCTCGCTTG-3'
Protein context (NP_001354553.1, residues 2665-2685): SPAMASYAAS[Pro2675=]SHCLSVEGGP